The following is an entry in ClinVar:

ClinVar aggregate classification (germline): Pathogenic. Review status: criteria provided, multiple submitters, no conflicts (2 of 4 stars). 3 submissions from 3 submitters: Pathogenic (3). Last evaluated 2025-10-01.

Conditions:
Familial cancer of breast. Also called: BREAST CANCER, FAMILIAL; hereditary breast carcinoma; Hereditary breast cancer. Identifiers: Orphanet 227535, MedGen C0346153, MONDO:0016419, OMIM 114480. Disease mechanism: loss of function.
Hereditary cancer-predisposing syndrome. Also called: Neoplastic Syndromes, Hereditary; Tumor predisposition; Hereditary Cancer Syndrome; Hereditary neoplastic syndrome. Identifiers: Orphanet 140162, MedGen C0027672, MeSH D009386, MONDO:0015356.

Allele frequency attached by ClinVar (database versions not stated): gnomAD exomes below 0.00001 and 0.00001; TOPMed below 0.00001; ExAC 0.00001.
gnomAD v4.1: 2 of 1,614,158 alleles (0.00012%); highest among the groups gnomAD compares: East Asian, 0.0022%; no homozygotes.

Submissions (3):

Labcorp Genetics (formerly Invitae), Labcorp
Classification: Pathogenic for Familial cancer of breast. Last evaluated: 2025-10-01. Review status: criteria provided, single submitter. Criteria: Invitae Variant Classification Sherloc (09022015). Collection method: clinical testing. Allele origin: germline.
Comment: This sequence change creates a premature translational stop signal (p.Leu703*) in the PALB2 gene. It is expected to result in an absent or disrupted protein product. Loss-of-function variants in PALB2 are known to be pathogenic (PMID: 17200668, 17200671, 17200672, 24136930, 25099575). This variant is present in population databases (rs752592662, gnomAD 0.006%). This premature translational stop signal has been observed in individual(s) with breast cancer (PMID: 25575445). ClinVar contains an entry for this variant (Variation ID: 233463). For these reasons, this variant has been classified as Pathogenic.

Myriad Genetics, Inc.
Classification: Pathogenic for Familial cancer of breast. Last evaluated: 2023-09-12. Review status: criteria provided, single submitter. Criteria: Myriad Autosomal Dominant, Autosomal Recessive and X-Linked Classification Criteria (2023). Collection method: clinical testing. Allele origin: unknown.
Comment: This variant is considered pathogenic. This variant creates a termination codon and is predicted to result in premature protein truncation.

Ambry Genetics
Classification: Pathogenic for Hereditary cancer-predisposing syndrome. Last evaluated: 2022-10-18. Review status: criteria provided, single submitter. Criteria: Ambry Variant Classification Scheme 2023. Collection method: clinical testing. Allele origin: germline.
Comment: The p.L703* pathogenic mutation (also known as c.2108T>G), located in coding exon 5 of the PALB2 gene, results from a T to G substitution at nucleotide position 2108. This changes the amino acid from a leucine to a stop codon within coding exon 5. This alteration was identified in 1/1240 probands from the Breast Cancer Family Registry who had previously screened negative for BRCA1/2 mutations (Nguyen-Dumont T et al. Breast Cancer Res. Treat. 2015 Jan;149:547-54). In addition to the clinical data presented in the literature, this alteration is expected to result in loss of function by premature protein truncation or nonsense-mediated mRNA decay. As such, this alteration is interpreted as a disease-causing mutation.

Literature cited by the submitters: PubMed 17200668 (cited by Labcorp Genetics (formerly Invitae), Labcorp); PubMed 17200671 (cited by Labcorp Genetics (formerly Invitae), Labcorp); PubMed 17200672 (cited by Labcorp Genetics (formerly Invitae), Labcorp); PubMed 24136930 (cited by Labcorp Genetics (formerly Invitae), Labcorp); PubMed 25099575 (cited by Labcorp Genetics (formerly Invitae), Labcorp); PubMed 25575445 (cited by Labcorp Genetics (formerly Invitae), Labcorp and Ambry Genetics).

NM_024675.4(PALB2):c.2108T>G (p.Leu703Ter)

Gene: PALB2 (partner and localizer of BRCA2; minus strand). Cytogenetic location: 16p12.2.
Variant type: single nucleotide variant.
Coding change: c.2108T>G on transcript NM_024675.4 (MANE Select); coding-DNA position 2108, T replaced by G.
Protein change: p.Leu703Ter; replaces leucine 703 with a stop codon.
Molecular consequence: nonsense.
Genome position (GRCh38, 1-based): chr16:23,630,046, A>C on the plus strand (T>G on the coding strand, the complement: PALB2 is on the minus strand). VCF-style: chr16-23630046-A-C. GRCh37 (hg19) VCF-style: chr16-23641367-A-C.
Other names: short protein forms L703*.
Identifiers: ClinVar variation 233463 (VCV000233463.15), dbSNP rs752592662, ClinGen allele CA7963621.
Genomic context (GRCh38, chr16:23,630,046, plus strand): 5'-ATGTCTGTGGTAGGCCTGTCATTATCATCAGGCGCAACCGTATTTAAAGGAGTATAAAGT[A>C]ATATGGATGAAGAAAGGCCCGTCTTTGTATGCTGGCTTTGCGAGTTTGGCCTTTTGGGAT-3'